The following is an entry in ClinVar:

NM_001171.6(ABCC6):c.4131G>A (p.Thr1377=)

Gene: ABCC6 (ATP binding cassette subfamily C member 6; minus strand). Cytogenetic location: 16p13.11.
Variant type: single nucleotide variant.
Coding change: c.4131G>A on transcript NM_001171.6 (MANE Select); coding-DNA position 4131, G replaced by A.
Protein change: p.Thr1377=; no amino-acid change (threonine 1377 retained).
Molecular consequence: synonymous variant. On other transcripts: non-coding transcript variant (1).
Genome position (GRCh38, 1-based): chr16:16,154,705, C>T on the plus strand (G>A on the coding strand, the complement: ABCC6 is on the minus strand). VCF-style: chr16-16154705-C-T. GRCh37 (hg19) VCF-style: chr16-16248562-C-T.
Other names: c.4131G>A (NM_001171.5); c.3789G>A, p.Thr1263= (NM_001351800.1).
Identifiers: ClinVar variation 2910801 (VCV002910801.4), dbSNP rs750573670, ClinGen allele CA493799680.

ClinVar aggregate classification (germline): Likely benign. Review status: criteria provided, multiple submitters, no conflicts (2 of 4 stars). 2 submissions from 2 submitters: Likely benign (2). Last evaluated 2025-03-29.

Conditions:
ABCC6-related disorder. Also called: ABCC6-related condition.

gnomAD v4.1: 14 of 1,613,530 alleles (0.00087%); highest among the groups gnomAD compares: East Asian, 0.0067%; no homozygotes.

Submissions (2):

Labcorp Genetics (formerly Invitae), Labcorp
Classification: Likely benign. Last evaluated: 2025-03-29. Review status: criteria provided, single submitter. Criteria: Invitae Variant Classification Sherloc (09022015). Collection method: clinical testing. Allele origin: germline.

PreventionGenetics, part of Exact Sciences
Classification: Likely benign for ABCC6-related condition. Last evaluated: 2024-10-28. Review status: criteria provided, single submitter. Criteria: ACMG Guidelines, 2015. Collection method: clinical testing. Allele origin: germline.
Comment: This variant is classified as likely benign based on ACMG/AMP sequence variant interpretation guidelines (Richards et al. 2015 PMID: 25741868, with internal and published modifications).